The following is an entry in ClinVar:

NM_017671.4(FERMT1):c.-666G>A

Gene: FERMT1 (FERM domain containing kindlin 1; minus strand). Cytogenetic location: 20p12.3.
Variant type: single nucleotide variant.
Coding change: c.-666G>A on transcript NM_017671.4; 666 bases upstream of the start codon, G replaced by A.
Genome position (GRCh38, 1-based): chr20:6,123,421, C>T on the plus strand (G>A on the coding strand, the complement: FERMT1 is on the minus strand). VCF-style: chr20-6123421-C-T. GRCh37 (hg19) VCF-style: chr20-6104068-C-T.
Identifiers: ClinVar variation 339259 (VCV000339259.8), dbSNP rs2295433, ClinGen allele CA10644355.

ClinVar aggregate classification (germline): Benign. Review status: criteria provided, multiple submitters, no conflicts (2 of 4 stars). 2 submissions from 2 submitters: Benign (2). Last evaluated 2018-01-13.

Conditions:
Kindler syndrome (KNDLRS). Also called: Poikiloderma of Kindler; Congenital bullous poikiloderma; POIKILODERMA, CONGENITAL, WITH BULLAE, WEARY TYPE; POIKILODERMA, HEREDITARY ACROKERATOTIC; BULLOUS ACROKERATOTIC POIKILODERMA OF KINDLER AND WEARY; Kindler's syndrome. Identifiers: Orphanet 2908, Orphanet 306539, MedGen C0406557, MONDO:0008260, OMIM 173650.

Allele frequency attached by ClinVar (database versions not stated): TOPMed 0.71448; 1000 Genomes Project 30x 0.71065; gnomAD 0.70890 and 0.70840; 1000 Genomes Project 0.70407; gnomAD exomes 0.70882.

Submissions (2):

Illumina Laboratory Services, Illumina
Classification: Benign for Kindler syndrome. Last evaluated: 2018-01-13. Review status: criteria provided, single submitter. Criteria: ICSL Variant Classification Criteria 13 December 2019. Collection method: clinical testing. Allele origin: germline.
Comment: This variant was observed in the ICSL laboratory as part of a predisposition screen in an ostensibly healthy population. It had not been previously curated by ICSL or reported in the Human Gene Mutation Database (HGMD: prior to June 1st, 2018), and was therefore a candidate for classification through an automated scoring system. Utilizing variant allele frequency, disease prevalence and penetrance estimates, and inheritance mode, an automated score was calculated to assess if this variant is too frequent to cause the disease. Based on the score and internal cut-off values, a variant classified as benign is not then subjected to further curation. The score for this variant resulted in a classification of benign for this disease.

Breakthrough Genomics
Classification: Benign. Review status: criteria provided, single submitter. Criteria: ACMG Guidelines, 2015. Collection method: not provided. Allele origin: germline. Inheritance: Autosomal recessive inheritance. Affected: yes.